The following is an entry in ClinVar:

NM_001377.3(DYNC2H1):c.7540+14G>A

Gene: DYNC2H1 (dynein cytoplasmic 2 heavy chain 1; plus strand). Cytogenetic location: 11q22.3.
Variant type: single nucleotide variant.
Coding change: c.7540+14G>A on transcript NM_001377.3 (MANE Select); 14 bases into the intron after coding-DNA position 7540, G replaced by A.
Molecular consequence: intron variant.
Genome position (GRCh38, 1-based): chr11:103,191,633, G>A. VCF-style: chr11-103191633-G-A. GRCh37 (hg19) VCF-style: chr11-103062362-G-A.
Other names: c.7540+14G>A (NM_001080463.2).
Identifiers: ClinVar variation 302063 (VCV000302063.27), dbSNP rs115273161, ClinGen allele CA6254254.

ClinVar aggregate classification (germline): Benign/Likely benign. Review status: criteria provided, multiple submitters, no conflicts (2 of 4 stars). 6 submissions from 6 submitters: Benign (4); Likely benign (2). Last evaluated 2026-02-02.

Conditions:
Asphyxiating thoracic dystrophy 3. Also called: SHORT-RIB THORACIC DYSPLASIA 3 WITH OR WITHOUT POLYDACTYLY; POLYDACTYLY WITH NEONATAL CHONDRODYSTROPHY, TYPE I; SHORT-RIB THORACIC DYSPLASIA 3/6 WITH POLYDACTYLY, DIGENIC; Short rib polydactyly syndrome 2B; Saldino-Noonan Syndrome. Identifiers: Orphanet 474, Orphanet 93269, Orphanet 93270, Orphanet 93271, MedGen C0036069, MONDO:0013127, OMIM 613091.
Jeune thoracic dystrophy. Also called: Short-rib thoracic dysplasia; Jeune syndrome; Infantile thoracic dystrophy; Thoracic pelvic phalangeal dystrophy; Jeune's syndrome; Chondroectodermal dysplasia-like syndrome. Identifiers: Orphanet 474, MedGen C0265275, MONDO:0018770.

Allele frequency attached by ClinVar (database versions not stated): ESP Exome Variant Server 0.01189; 1000 Genomes Project 30x 0.01234; TOPMed 0.01237; 1000 Genomes Project 0.01318.
gnomAD v4.1: 3,396 of 1,548,622 alleles (0.22%); highest among the groups gnomAD compares: African/African-American, 4.1%; 61 homozygotes.

Submissions (6):

Labcorp Genetics (formerly Invitae), Labcorp
Classification: Benign for Jeune thoracic dystrophy. Last evaluated: 2026-02-02. Review status: criteria provided, single submitter. Criteria: Invitae Variant Classification Sherloc (09022015). Collection method: clinical testing. Allele origin: germline.

ARUP Laboratories, Molecular Genetics and Genomics, ARUP Laboratories
Classification: Benign for Asphyxiating thoracic dystrophy 3. Last evaluated: 2025-06-20. Review status: criteria provided, single submitter. Criteria: ARUP Molecular Germline Variant Investigation Process 2024. Collection method: clinical testing. Allele origin: germline.

Fulgent Genetics
Classification: Likely benign for Asphyxiating thoracic dystrophy 3. Last evaluated: 2021-08-09. Review status: criteria provided, single submitter. Criteria: ACMG Guidelines, 2015. Collection method: clinical testing. Allele origin: unknown.

Illumina Laboratory Services, Illumina
Classification: Benign for Asphyxiating thoracic dystrophy 3. Last evaluated: 2018-01-13. Review status: criteria provided, single submitter. Criteria: ICSL Variant Classification Criteria 13 December 2019. Collection method: clinical testing. Allele origin: germline.
Comment: This variant was observed in the ICSL laboratory as part of a predisposition screen in an ostensibly healthy population. It had not been previously curated by ICSL or reported in the Human Gene Mutation Database (HGMD: prior to June 1st, 2018), and was therefore a candidate for classification through an automated scoring system. Utilizing variant allele frequency, disease prevalence and penetrance estimates, and inheritance mode, an automated score was calculated to assess if this variant is too frequent to cause the disease. Based on the score and internal cut-off values, a variant classified as benign is not then subjected to further curation. The score for this variant resulted in a classification of benign for this disease.

GeneDx
Classification: Benign. Last evaluated: 2016-09-14. Review status: criteria provided, single submitter. Criteria: GeneDx Variant Classification (06012015). Collection method: clinical testing. Allele origin: germline. Affected: yes.
Comment: This variant is considered likely benign or benign based on one or more of the following criteria: it is a conservative change, it occurs at a poorly conserved position in the protein, it is predicted to be benign by multiple in silico algorithms, and/or has population frequency not consistent with disease.

Breakthrough Genomics
Classification: Likely benign. Review status: criteria provided, single submitter. Criteria: ACMG Guidelines, 2015. Collection method: not provided. Allele origin: germline. Inheritance: Autosomal recessive inheritance. Affected: yes.